The following is an entry in ClinVar:

ClinVar aggregate classification (germline): Likely benign (0 of 4 stars; one submission).

Conditions:
DNAH17-related disorder. Also called: DNAH17-related condition.

Allele frequency attached by ClinVar (database versions not stated): ESP Exome Variant Server 0.00008; gnomAD exomes 0.00028; gnomAD 0.00066; ExAC 0.00080; 1000 Genomes Project 0.00180; 1000 Genomes Project 30x 0.00187.
gnomAD v4.1: 521 of 1,612,778 alleles (0.032%); highest among the groups gnomAD compares: Admixed American, 0.55%; 7 homozygotes.

Submissions (3):

PreventionGenetics, part of Exact Sciences
Classification: Likely benign for DNAH17-related condition. Last evaluated: 2019-06-13. Review status: no assertion criteria provided. Collection method: clinical testing. Allele origin: germline.
Comment: This variant is classified as likely benign based on ACMG/AMP sequence variant interpretation guidelines (Richards et al. 2015 PMID: 25741868, with internal and published modifications).

Dr. Peter K. Rogan Lab, Western University
No classification provided (evidence only). Condition: Familial cancer of breast. Review status: no classification provided. Collection method: in vitro. Allele origin: not applicable. Functional consequence: retained intron. Not counted in ClinVar's aggregate classification.

Dr. Peter K. Rogan Lab, Western University
No classification provided (evidence only). Condition: Ovarian serous cystadenocarcinoma. Review status: no classification provided. Collection method: in vitro. Allele origin: not applicable. Functional consequence: retained intron. Not counted in ClinVar's aggregate classification.

NM_173628.4(DNAH17):c.11805+5G>A

Gene: DNAH17 (dynein axonemal heavy chain 17; minus strand). Cytogenetic location: 17q25.3.
Variant type: single nucleotide variant.
Coding change: c.11805+5G>A on transcript NM_173628.4 (MANE Select); 5 bases into the intron after coding-DNA position 11805, G replaced by A.
Molecular consequence: intron variant.
Genome position (GRCh38, 1-based): chr17:78,439,085, C>T on the plus strand (G>A on the coding strand, the complement: DNAH17 is on the minus strand). VCF-style: chr17-78439085-C-T. GRCh37 (hg19) VCF-style: chr17-76435167-C-T.
Other names: NC_000017.10:g.76435167C>T.
Identifiers: ClinVar variation 3033472 (VCV003033472.3), dbSNP rs183791613, ClinGen allele CA8800321.